The following is an entry in ClinVar:

ClinVar aggregate classification (germline): Likely benign. Review status: criteria provided, multiple submitters, no conflicts (2 of 4 stars). 2 submissions from 2 submitters: Likely benign (2). Last evaluated 2024-10-23.

Conditions:
Cataract 36. Identifiers: MedGen C3151304, MONDO:0013484, OMIM 613887.

Allele frequency attached by ClinVar (database versions not stated): gnomAD 0.00009 and 0.00017; ExAC 0.00041; 1000 Genomes Project 0.00080; gnomAD exomes 0.00043; 1000 Genomes Project 30x 0.00078; TOPMed 0.00026.
gnomAD v4.1: 281 of 1,613,858 alleles (0.017%); highest among the groups gnomAD compares: East Asian, 0.59%; no homozygotes.

Submissions (2):

Labcorp Genetics (formerly Invitae), Labcorp
Classification: Likely benign for Cataract 36. Last evaluated: 2024-10-23. Review status: criteria provided, single submitter. Criteria: Invitae Variant Classification Sherloc (09022015). Collection method: clinical testing. Allele origin: germline.

Illumina Laboratory Services, Illumina
Classification: Likely benign for Cataract 36. Last evaluated: 2018-01-13. Review status: criteria provided, single submitter. Criteria: ICSL Variant Classification Criteria 13 December 2019. Collection method: clinical testing. Allele origin: germline.
Comment: This variant was observed in the ICSL laboratory as part of a predisposition screen in an ostensibly healthy population. It had not been previously curated by ICSL or reported in the Human Gene Mutation Database (HGMD: prior to June 1st, 2018), and was therefore a candidate for classification through an automated scoring system. Utilizing variant allele frequency, disease prevalence and penetrance estimates, and inheritance mode, an automated score was calculated to assess if this variant is too frequent to cause the disease. Based on the score and internal cut-off values, a variant classified as likely benign is not then subjected to further curation. The score for this variant resulted in a classification of likely benign for this disease.

NM_014290.3(TDRD7):c.391A>G (p.Asn131Asp)

Gene: TDRD7 (tudor domain containing 7; plus strand). Cytogenetic location: 9q22.33.
Variant type: single nucleotide variant.
Coding change: c.391A>G on transcript NM_014290.3 (MANE Select); coding-DNA position 391, A replaced by G.
Protein change: p.Asn131Asp; replaces asparagine 131 with aspartic acid.
Molecular consequence: missense variant.
Genome position (GRCh38, 1-based): chr9:97,432,066, A>G. VCF-style: chr9-97432066-A-G. GRCh37 (hg19) VCF-style: chr9-100194348-A-G.
Other names: c.169A>G, p.Asn57Asp (NM_001302884.2); short protein forms N131D, N57D.
Identifiers: ClinVar variation 364059 (VCV000364059.13), dbSNP rs200841827, ClinGen allele CA5146438.